The following is an entry in ClinVar:

NC_000023.11:g.(?_100402504)_(100408617_?)del

Gene: PCDH19 (protocadherin 19; minus strand). Cytogenetic location: Xq22.1.
Variant type: Deletion.
Identifiers: ClinVar variation 832431 (VCV000832431.8).

ClinVar aggregate classification (germline): Pathogenic (1 of 4 stars; one submission).

Conditions:
Developmental and epileptic encephalopathy, 9 (DEE9). Also called: PCDH19-Related X-Linked Female-Limited Epilepsy with Mental Retardation; EPILEPSY, FEMALE-RESTRICTED, WITH MENTAL RETARDATION; JUBERG-HELLMAN SYNDROME; Early infantile epileptic encephalopathy 9. Identifiers: Orphanet 101039, Orphanet 2076, MedGen C1848137, MONDO:0010246, OMIM 300088. Disease mechanism: loss of function.

Submission:

Labcorp Genetics (formerly Invitae), Labcorp
Classification: Pathogenic for Developmental and epileptic encephalopathy, 9. Last evaluated: 2021-08-04. Review status: criteria provided, single submitter. Criteria: Invitae Variant Classification Sherloc (09022015). Collection method: clinical testing. Allele origin: germline.
Comment: This variant is a gross deletion of the genomic region encompassing exon(s) 1-3 of the PCDH19 gene, which includes the initiator codon. The 5' end of this event is unknown as it extends beyond the assayed region for this gene and therefore may encompass additional genes. The 3' boundary is likely confined to intron 3 of the PCDH19 gene. It is expected to result in an absent or disrupted protein product. Loss-of-function variants in PCDH19 are known to be pathogenic (PMID: 21053371). A similar copy number variant has been observed in individual(s) with epilepsy (PMID: 21053371). For these reasons, this variant has been classified as Pathogenic.

Literature cited by the submitters: PubMed 21053371.